The following is an entry in ClinVar:

ClinVar aggregate classification (germline): Uncertain significance (1 of 4 stars; one submission).

Conditions:
Hereditary cancer-predisposing syndrome. Also called: Tumor predisposition; Hereditary Cancer Syndrome; Neoplastic Syndromes, Hereditary; Hereditary neoplastic syndrome. Identifiers: Orphanet 140162, MedGen C0027672, MeSH D009386, MONDO:0015356.

Submission:

Ambry Genetics
Classification: Uncertain significance for Hereditary cancer-predisposing syndrome. Last evaluated: 2026-01-09. Review status: criteria provided, single submitter. Criteria: Ambry Variant Classification Scheme 2023. Collection method: clinical testing. Allele origin: germline.
Comment: The p.W347* variant (also known as c.1040G>A), located in coding exon 11 of the POLE gene, results from a G to A substitution at nucleotide position 1040. This changes the amino acid from a tryptophan to a stop codon within coding exon 11. This alteration is expected to result in loss of function by premature protein truncation or nonsense-mediated mRNA decay. Although biallelic loss of function of POLE has been associated with autosomal recessive POLE deficiency, haploinsufficiency of POLE has not been established as a mechanism of disease for POLE-related polymerase proofreading-associated polyposis (PPAP) and POLE-related CMMRD-like syndrome. Based on the supporting evidence, this variant is expected to be causative of POLE deficiency when present along with a second pathogenic variant on the other allele; however, its clinical significance for PPAP and POLE-related CMMRD-like syndrome is unclear.

NM_006231.4(POLE):c.1040G>A (p.Trp347Ter)

Gene: POLE (DNA polymerase epsilon, catalytic subunit; minus strand). Cytogenetic location: 12q24.33.
Variant type: single nucleotide variant.
Coding change: c.1040G>A on transcript NM_006231.4 (MANE Select); coding-DNA position 1040, G replaced by A.
Protein change: p.Trp347Ter; replaces tryptophan 347 with a stop codon.
Molecular consequence: nonsense.
Genome position (GRCh38, 1-based): chr12:132,675,801, C>T on the plus strand (G>A on the coding strand, the complement: POLE is on the minus strand). VCF-style: chr12-132675801-C-T. GRCh37 (hg19) VCF-style: chr12-133252387-C-T.
Other names: short protein forms W347*.
Identifiers: ClinVar variation 484535 (VCV000484535.6), dbSNP rs1555229236, ClinGen allele CA387361771.